The following is an entry in ClinVar:

ClinVar aggregate classification (germline): Uncertain significance. Review status: criteria provided, multiple submitters, no conflicts (2 of 4 stars). 2 submissions from 2 submitters: Uncertain significance (2). Last evaluated 2025-04-05.

Conditions:
Cardiovascular phenotype. Identifiers: MedGen CN230736.
Hereditary cancer-predisposing syndrome. Also called: Hereditary neoplastic syndrome; Tumor predisposition; Neoplastic Syndromes, Hereditary; Hereditary Cancer Syndrome. Identifiers: Orphanet 140162, MedGen C0027672, MeSH D009386, MONDO:0015356.
Neurofibromatosis, type 1 (NF1). Also called: VON RECKLINGHAUSEN DISEASE; NEUROFIBROMATOSIS, TYPE I, SOMATIC; Peripheral type neurofibromatosis; Neurofibromatosis, type I. Identifiers: Orphanet 636, MedGen C0027831, MONDO:0018975, OMIM 162200. Disease mechanism: loss of function.

Allele frequency attached by ClinVar (database versions not stated): gnomAD exomes below 0.00001.

Submissions (2):

Ambry Genetics
Classification: Uncertain significance for Cardiovascular phenotype; Hereditary cancer-predisposing syndrome. Last evaluated: 2025-04-05. Review status: criteria provided, single submitter. Criteria: Ambry Variant Classification Scheme 2023. Collection method: clinical testing. Allele origin: germline.
Comment: The p.L2211V variant (also known as c.6631C>G), located in coding exon 43 of the NF1 gene, results from a C to G substitution at nucleotide position 6631. The leucine at codon 2211 is replaced by valine, an amino acid with highly similar properties. This amino acid position is highly conserved in available vertebrate species. In addition, this alteration is predicted to be deleterious by in silico analysis. Since supporting evidence is limited at this time, the clinical significance of this alteration remains unclear.

Labcorp Genetics (formerly Invitae), Labcorp
Classification: Uncertain significance for Neurofibromatosis, type 1. Last evaluated: 2024-01-05. Review status: criteria provided, single submitter. Criteria: Invitae Variant Classification Sherloc (09022015). Collection method: clinical testing. Allele origin: germline.
Comment: This sequence change replaces leucine, which is neutral and non-polar, with valine, which is neutral and non-polar, at codon 2211 of the NF1 protein (p.Leu2211Val). This variant is not present in population databases (gnomAD no frequency). This variant has not been reported in the literature in individuals affected with NF1-related conditions. ClinVar contains an entry for this variant (Variation ID: 952092). Advanced modeling of protein sequence and biophysical properties (such as structural, functional, and spatial information, amino acid conservation, physicochemical variation, residue mobility, and thermodynamic stability) has been performed at Invitae for this missense variant, however the output from this modeling did not meet the statistical confidence thresholds required to predict the impact of this variant on NF1 protein function. In summary, the available evidence is currently insufficient to determine the role of this variant in disease. Therefore, it has been classified as a Variant of Uncertain Significance.

NM_001042492.3(NF1):c.6694C>G (p.Leu2232Val)

Gene: NF1 (neurofibromin 1; plus strand). Cytogenetic location: 17q11.2.
Variant type: single nucleotide variant.
Coding change: c.6694C>G on transcript NM_001042492.3 (MANE Select); coding-DNA position 6694, C replaced by G.
Protein change: p.Leu2232Val; replaces leucine 2232 with valine.
Molecular consequence: missense variant.
Genome position (GRCh38, 1-based): chr17:31,337,870, C>G. VCF-style: chr17-31337870-C-G. GRCh37 (hg19) VCF-style: chr17-29664888-C-G.
Other names: c.6631C>G, p.Leu2211Val (NM_000267.4); short protein forms L2232V, L2211V.
Identifiers: ClinVar variation 952092 (VCV000952092.10), dbSNP rs1597844673, ClinGen allele CA399013941.